The following is an entry in ClinVar:

ClinVar aggregate classification (germline): Uncertain significance (1 of 4 stars; one submission).

Conditions:
Congenital disorder of glycosylation type Ir (CDG1R). Also called: DDOST-congenital disorder of glycosylation. Identifiers: Orphanet 300536, MedGen C3281084, MONDO:0013789, OMIM 614507.

gnomAD v4.1: 2 of 1,612,884 alleles (0.00012%); highest among the groups gnomAD compares: Non-Finnish European, 0.00017%; no homozygotes.

Submission:

Labcorp Genetics (formerly Invitae), Labcorp
Classification: Uncertain significance for Congenital disorder of glycosylation type Ir. Last evaluated: 2021-09-29. Review status: criteria provided, single submitter. Criteria: Invitae Variant Classification Sherloc (09022015). Collection method: clinical testing. Allele origin: germline.
Comment: In summary, the available evidence is currently insufficient to determine the role of this variant in disease. Therefore, it has been classified as a Variant of Uncertain Significance. Algorithms developed to predict the effect of missense changes on protein structure and function are either unavailable or do not agree on the potential impact of this missense change (SIFT: "Deleterious"; PolyPhen-2: "Benign"; Align-GVGD: "Class C0"). This variant has not been reported in the literature in individuals affected with DDOST-related conditions. This variant is not present in population databases (ExAC no frequency). This sequence change replaces glutamic acid with glycine at codon 73 of the DDOST protein (p.Glu73Gly). The glutamic acid residue is moderately conserved and there is a moderate physicochemical difference between glutamic acid and glycine.

NM_005216.5(DDOST):c.167A>G (p.Glu56Gly)

Gene: DDOST (dolichyl-diphosphooligosaccharide--protein glycosyltransferase non-catalytic subunit; minus strand). Cytogenetic location: 1p36.12.
Variant type: single nucleotide variant.
Coding change: c.167A>G on transcript NM_005216.5 (MANE Select); coding-DNA position 167, A replaced by G.
Protein change: p.Glu56Gly; replaces glutamic acid 56 with glycine.
Molecular consequence: missense variant.
Genome position (GRCh38, 1-based): chr1:20,660,979, T>C on the plus strand (A>G on the coding strand, the complement: DDOST is on the minus strand). VCF-style: chr1-20660979-T-C. GRCh37 (hg19) VCF-style: chr1-20987472-T-C.
Other names: short protein forms E56G.
Identifiers: ClinVar variation 1480156 (VCV001480156.6), dbSNP rs2154534449, ClinGen allele CA338855913.
Genomic context (GRCh38, chr1:20,660,979, plus strand): 5'-AGGAATTCCCCATACTTTATGAGAGACAGGCTGGGGTCATCAGCGGTCTTGAATGTGAGC[T>C]CAAAGCCCCGGTCTGGACAAGAAAAAACAGGTAGTTGAGGAAGACGGGACGCGAAGGGAA-3'
Protein context (NP_005207.3, residues 46-66): FFRSLKDRGF[Glu56Gly]LTFKTADDPS